The following is an entry in ClinVar:

NM_000051.4(ATM):c.3059C>T (p.Thr1020Ile)

Gene: ATM (ATM serine/threonine kinase; plus strand). Cytogenetic location: 11q22.3.
Variant type: single nucleotide variant.
Coding change: c.3059C>T on transcript NM_000051.4 (MANE Select); coding-DNA position 3059, C replaced by T.
Protein change: p.Thr1020Ile; replaces threonine 1020 with isoleucine.
Molecular consequence: missense variant.
Genome position (GRCh38, 1-based): chr11:108,271,388, C>T. VCF-style: chr11-108271388-C-T. GRCh37 (hg19) VCF-style: chr11-108142115-C-T.
Other names: c.3059C>T, p.Thr1020Ile (NM_001351834.2); short protein forms T1020I.
Identifiers: ClinVar variation 220080 (VCV000220080.39), dbSNP rs186626274, ClinGen allele CA348623.

ClinVar aggregate classification (germline): Uncertain significance. Review status: criteria provided, multiple submitters, no conflicts (2 of 4 stars). 11 submissions from 11 submitters: Uncertain significance (9). 2 of the submissions do not count toward it. Last evaluated 2025-12-15.

Conditions:
Hereditary cancer-predisposing syndrome. Also called: Tumor predisposition; Hereditary neoplastic syndrome; Neoplastic Syndromes, Hereditary; Hereditary Cancer Syndrome. Identifiers: Orphanet 140162, MedGen C0027672, MeSH D009386, MONDO:0015356.
Ataxia-telangiectasia syndrome (AT). Also called: Ataxia-telangiectasia, complementation group E; AT, COMPLEMENTATION GROUP C; ATAXIA-TELANGIECTASIA, COMPLEMENTATION GROUP A; ATAXIA-TELANGIECTASIA, FRESNO VARIANT; Ataxia-telangiectasia; LOUIS-BAR SYNDROME. Identifiers: Orphanet 100, MedGen C0004135, MONDO:0008840, OMIM 208900.
Familial cancer of breast. Also called: hereditary breast carcinoma; Hereditary breast cancer; BREAST CANCER, FAMILIAL. Identifiers: Orphanet 227535, MedGen C0346153, MONDO:0016419, OMIM 114480. Disease mechanism: loss of function.
Malignant tumor of breast. Also called: Malignant breast neoplasm; Cancer breast. Identifiers: MedGen C0006142, MONDO:0007254. Disease mechanism: loss of function.

Allele frequency attached by ClinVar (database versions not stated): TOPMed 0.00002.
gnomAD v4.1: 15 of 1,614,068 alleles (0.00093%); highest among the groups gnomAD compares: East Asian, 0.013%; no homozygotes.

Submissions (11):

Labcorp Genetics (formerly Invitae), Labcorp
Classification: Uncertain significance for Ataxia-telangiectasia syndrome. Last evaluated: 2025-12-15. Review status: criteria provided, single submitter. Criteria: Invitae Variant Classification Sherloc (09022015). Collection method: clinical testing. Allele origin: germline.
Comment: This sequence change replaces threonine, which is neutral and polar, with isoleucine, which is neutral and non-polar, at codon 1020 of the ATM protein (p.Thr1020Ile). This variant is present in population databases (rs186626274, gnomAD 0.01%). This missense change has been observed in individual(s) with breast cancer (PMID: 30287823). ClinVar contains an entry for this variant (Variation ID: 220080). Invitae Evidence Modeling of protein sequence and biophysical properties (such as structural, functional, and spatial information, amino acid conservation, physicochemical variation, residue mobility, and thermodynamic stability) indicates that this missense variant is not expected to disrupt ATM protein function with a negative predictive value of 95%. In summary, the available evidence is currently insufficient to determine the role of this variant in disease. Therefore, it has been classified as a Variant of Uncertain Significance.

Ambry Genetics
Classification: Uncertain significance for Hereditary cancer-predisposing syndrome. Last evaluated: 2025-07-11. Review status: criteria provided, single submitter. Criteria: Ambry Variant Classification Scheme 2023. Collection method: clinical testing. Allele origin: germline.
Comment: The p.T1020I variant (also known as c.3059C>T), located in coding exon 19 of the ATM gene, results from a C to T substitution at nucleotide position 3059. The threonine at codon 1020 is replaced by isoleucine, an amino acid with similar properties. This alteration has been reported with a carrier frequency of 0.00043 in 7051 unselected breast cancer patients and 0.00036 in 11241 female controls of Japanese ancestry (Momozawa Y et al. Nat Commun, 2018 10;9:4083). This variant was also observed in 1/3251 individuals who met eligibility criteria for hereditary breast and ovarian cancer syndrome (Lerner-Ellis J et al. J Cancer Res Clin Oncol, 2021 Mar;147:871-879). This amino acid position is well conserved in available vertebrate species. In addition, the in silico prediction for this alteration is inconclusive. Based on the available evidence, the clinical significance of this variant remains unclear.

Color Diagnostics, LLC DBA Color Health
Classification: Uncertain significance for Hereditary cancer-predisposing syndrome. Last evaluated: 2025-04-21. Review status: criteria provided, single submitter. Criteria: ACMG Guidelines, 2015. Collection method: clinical testing. Allele origin: germline.
Comment: This missense variant replaces threonine with isoleucine at codon 1020 of the ATM protein. Computational prediction suggests that this variant may not impact protein structure and function. To our knowledge, functional studies have not been reported for this variant. This variant has been reported in individuals affected with breast cancer and in healthy controls (PMID: 26822949, 33471991). This variant has been identified in 3/250920 chromosomes in the general population by the Genome Aggregation Database (gnomAD). The available evidence is insufficient to determine the role of this variant in disease conclusively. Therefore, this variant is classified as a Variant of Uncertain Significance.

Baylor Genetics
Classification: Uncertain significance for Familial cancer of breast. Last evaluated: 2024-02-25. Review status: criteria provided, single submitter. Criteria: ACMG Guidelines, 2015. Collection method: clinical testing. Allele origin: unknown.

GeneDx
Classification: Uncertain significance. Last evaluated: 2024-02-25. Review status: criteria provided, single submitter. Criteria: GeneDx Variant Classification Process June 2021. Collection method: clinical testing. Allele origin: germline. Affected: yes.
Comment: Not observed at significant frequency in large population cohorts (gnomAD); In silico analysis supports that this missense variant does not alter protein structure/function; Observed in individuals with breast cancer as well as unaffected controls (PMID: 30287823, 26822949, 33471991, 32885271); This variant is associated with the following publications: (PMID: 30287823, 26822949, 27499925, 29685880, 33875564, 33471991, 19781682, 32885271, 36243179)

St. Jude Molecular Pathology, St. Jude Children's Research Hospital
Classification: Uncertain significance for Ataxia-telangiectasia syndrome. Last evaluated: 2022-07-20. Review status: criteria provided, single submitter. Criteria: St. Jude Assertion Criteria 2020. Collection method: clinical testing. Allele origin: germline.
Comment: The ATM c.3059C>T (p.Thr1020Ile) missense change has a maximum subpopulation frequency of 0.011% in gnomAD v2.1.1. The in silico tool REVEL is inconclusive about a pathogenic or benign effect of this variant on protein function, and to our knowledge functional studies have not been performed. A small case-control study of females with breast cancer indicates that this variant does not have an increased prevalence in cases versus controls (P value = 1.00, OR = 1.2, 95% CI: 0.2-7.1; PMID: 30287823). In summary, the evidence currently available is insufficient to determine the clinical significance of this variant. It has therefore been classified as of uncertain significance.

MGZ Medical Genetics Center
Classification: Uncertain significance for Familial cancer of breast. Last evaluated: 2022-02-10. Review status: criteria provided, single submitter. Criteria: ACMG Guidelines, 2015. Collection method: clinical testing. Allele origin: germline. Affected: yes. Observed: 2 variant alleles.
Comment: ACMG criteria applied: PM2_SUP, BP4

Institute of Human Genetics, University of Leipzig Medical Center
Classification: Uncertain significance for Ataxia-telangiectasia syndrome. Last evaluated: 2019-01-01. Review status: criteria provided, single submitter. Criteria: ACMG Guidelines, 2015. Collection method: clinical testing. Allele origin: unknown. Affected: yes.

Women's Health and Genetics/Laboratory Corporation of America, LabCorp
Classification: Uncertain significance. Last evaluated: 2017-05-08. Review status: criteria provided, single submitter. Criteria: LabCorp Variant Classification Summary - May 2015. Collection method: clinical testing. Allele origin: germline.
Comment: Variant summary: The ATM c.3059C>T (p.Thr1020Ile) variant causes a missense change involving the alteration of a non-conserved nucleotide. This variant is located in the Armadillo-type fold (IPR016024) (InterPro). 3/4 in silico tools predict a benign outcome for this variant (SNPsandGO not captured due to low reliability index). The variant of interest has been found in a large, broad control population, ExAC in 1/120648 control chromosomes at a frequency of 0.0000083, which does not exceed the estimated maximal expected allele frequency of a pathogenic ATM variant (0.0010005). Multiple clinical diagnostic laboratories/reputable databases classified this variant as uncertain significance. Due to the paucity of clinical information and the lack of functional studies, the variant is classified as a variant of uncertain significance (VUS).

Natera, Inc.
Classification: Uncertain significance for Ataxia-telangiectasia. Last evaluated: 2020-02-17. Review status: no assertion criteria provided. Collection method: clinical testing. Allele origin: germline. Not counted in ClinVar's aggregate classification.

Department of Pathology and Laboratory Medicine, Sinai Health System
Classification: Uncertain significance for Malignant tumor of breast. Review status: no assertion criteria provided. Collection method: clinical testing. Allele origin: unknown. Affected: yes. Study: The Canadian Open Genetics Repository (COGR). Not counted in ClinVar's aggregate classification.
Comment: The ATM p.Thr1020Ile variant was not identified in the literature nor was it identified in the Cosmic, MutDB, LOVD 3.0, ATM-LOVD, databases. The variant was identified in dbSNP (ID: rs186626274) as With Uncertain significance allele, ClinVar (classified as uncertain significance by Invitae, Ambry Genetics, GeneDx), Clinvitae (classified as uncertain significance by ClinVar, Invitae), databases. The variant was identified in control databases in 3 of 245678 chromosomes at a frequency of 0.000012 (Genome Aggregation Consortium Feb 27, 2017). The p.Thr1020 residue is conserved in mammals but not in more distantly related organisms however four out of five computational analyses (PolyPhen-2, SIFT, AlignGVGD, BLOSUM, MutationTaster) do not suggest a high likelihood of impact to the protein; this information is not predictive enough to rule out pathogenicity. The variant occurs outside of the splicing consensus sequence and in silico or computational prediction software programs (SpliceSiteFinder, MaxEntScan, NNSPLICE, GeneSplicer, HumanSpliceFinder) do not predict a difference in splicing. This variant is located within the Armadillo-type Fold unctional domain, increasing the likelihood that it may have clinical significance. In summary, based on the above information, the clinical significance of this variant cannot be determined with certainty at this time. This variant is classified as a variant of uncertain significance.

Literature cited by the submitters: PubMed 30287823 (cited by Labcorp Genetics (formerly Invitae), Labcorp and Ambry Genetics); PubMed 32885271 (cited by Ambry Genetics); PubMed 26822949 (cited by Color Diagnostics, LLC DBA Color Health and Women's Health and Genetics/Laboratory Corporation of America, LabCorp); PubMed 33471991 (cited by Color Diagnostics, LLC DBA Color Health).